The following is an entry in ClinVar:

NM_000254.3(MTR):c.899dup (p.Pro301fs)

Gene: MTR (5-methyltetrahydrofolate-homocysteine methyltransferase; plus strand). Cytogenetic location: 1q43.
Variant type: Duplication.
Coding change: c.899dup on transcript NM_000254.3 (MANE Select); coding-DNA position 899, one base duplicated (C; older notation c.899dupC).
Protein change: p.Pro301fs; shifts the reading frame from proline 301.
Molecular consequence: frameshift variant. On other transcripts: 5 prime UTR variant (1).
Genome position (GRCh38, 1-based): chr1:236,825,371, C duplicated. VCF-style (leftmost placement, unchanged base first): chr1-236825370-A-AC. GRCh37 (hg19) VCF-style: chr1-236988670-A-AC.
Other names: c.899dup, p.Pro301fs (NM_001291939.1, NM_001410942.1); c.-210dup (NM_001291940.2); short protein forms P301fs.
Identifiers: ClinVar variation 2714103 (VCV002714103.3), dbSNP rs2527985163, ClinGen allele CA2697555003.

ClinVar aggregate classification (germline): Pathogenic (1 of 4 stars; one submission).

Conditions:
Methylcobalamin deficiency type cblG (HMAG). Also called: HOMOCYSTINURIA-MEGALOBLASTIC ANEMIA, cblG COMPLEMENTATION TYPE; Functional methionine synthase deficiency type cblG; HOMOCYSTINURIA-MEGALOBLASTIC ANEMIA, cblG TYPE; HOMOCYSTINURIA-MEGALOBLASTIC ANEMIA DUE TO DEFECT IN COBALAMIN METABOLISM, cblG COMPLEMENTATION TYPE. Identifiers: Orphanet 2170, Orphanet 622, MedGen C1855128, MONDO:0009609, OMIM 250940.

Submission:

Labcorp Genetics (formerly Invitae), Labcorp
Classification: Pathogenic for Methylcobalamin deficiency type cblG. Last evaluated: 2024-01-29. Review status: criteria provided, single submitter. Criteria: Invitae Variant Classification Sherloc (09022015). Collection method: clinical testing. Allele origin: germline.
Comment: This sequence change creates a premature translational stop signal (p.Pro301Alafs*36) in the MTR gene. It is expected to result in an absent or disrupted protein product. Loss-of-function variants in MTR are known to be pathogenic (PMID: 9683607, 12068375). This variant is not present in population databases (gnomAD no frequency). This variant has not been reported in the literature in individuals affected with MTR-related conditions. For these reasons, this variant has been classified as Pathogenic.

Literature cited by the submitters: PubMed 9683607; PubMed 12068375.